The following is an entry in ClinVar:

NM_001845.6(COL4A1):c.953C>T (p.Pro318Leu)

Gene: COL4A1 (collagen type IV alpha 1 chain; minus strand). Cytogenetic location: 13q34.
Variant type: single nucleotide variant.
Coding change: c.953C>T on transcript NM_001845.6 (MANE Select); coding-DNA position 953, C replaced by T.
Protein change: p.Pro318Leu; replaces proline 318 with leucine.
Molecular consequence: missense variant.
Genome position (GRCh38, 1-based): chr13:110,205,357, G>A on the plus strand (C>T on the coding strand, the complement: COL4A1 is on the minus strand). VCF-style: chr13-110205357-G-A. GRCh37 (hg19) VCF-style: chr13-110857704-G-A.
Other names: c.953C>T, p.Pro318Leu (NM_001303110.2); short protein forms P318L.
Identifiers: ClinVar variation 3902404 (VCV003902404.2).

ClinVar aggregate classification (germline): Uncertain significance. Review status: criteria provided, multiple submitters, no conflicts (2 of 4 stars). 2 submissions from 2 submitters: Uncertain significance (2). Last evaluated 2026-01-22.

gnomAD v4.1: 17 of 1,614,020 alleles (0.0011%); highest among the groups gnomAD compares: Admixed American, 0.0017%; no homozygotes.

Submissions (2):

Labcorp Genetics (formerly Invitae), Labcorp
Classification: Uncertain significance. Last evaluated: 2026-01-22. Review status: criteria provided, single submitter. Criteria: Invitae Variant Classification Sherloc (09022015). Collection method: clinical testing. Allele origin: germline.
Comment: This sequence change replaces proline, which is neutral and non-polar, with leucine, which is neutral and non-polar, at codon 318 of the COL4A1 protein (p.Pro318Leu). This variant is present in population databases (rs746559670, gnomAD 0.003%). This variant has not been reported in the literature in individuals affected with COL4A1-related conditions. ClinVar contains an entry for this variant (Variation ID: 3902404). Invitae Evidence Modeling of protein sequence and biophysical properties (such as structural, functional, and spatial information, amino acid conservation, physicochemical variation, residue mobility, and thermodynamic stability) indicates that this missense variant is not expected to disrupt COL4A1 protein function with a negative predictive value of 95%. In summary, the available evidence is currently insufficient to determine the role of this variant in disease. Therefore, it has been classified as a Variant of Uncertain Significance.

Women's Health and Genetics/Laboratory Corporation of America, LabCorp
Classification: Uncertain significance. Last evaluated: 2025-05-08. Review status: criteria provided, single submitter. Criteria: LabCorp Variant Classification Summary - May 2015. Collection method: clinical testing. Allele origin: germline.
Comment: Variant summary: COL4A1 c.953C>T (p.Pro318Leu) results in a non-conservative amino acid change in the encoded protein sequence. Algorithms developed to predict the effect of missense changes on protein structure and function are either unavailable or do not agree on the potential impact of this missense change. The variant allele was found at a frequency of 4e-06 in 251482 control chromosomes. The available data on variant occurrences in the general population are insufficient to allow any conclusion about variant significance. To our knowledge, no occurrence of c.953C>T in individuals affected with Porencephaly 1 and no experimental evidence demonstrating its impact on protein function have been reported. No submitters have cited clinical-significance assessments for this variant to ClinVar. Based on the evidence outlined above, the variant was classified as uncertain significance.